The following is an entry in ClinVar:

NM_020778.5(ALPK3):c.2164G>T (p.Gly722Cys)

Gene: ALPK3 (alpha kinase 3; plus strand). Cytogenetic location: 15q25.3.
Variant type: single nucleotide variant.
Coding change: c.2164G>T on transcript NM_020778.5 (MANE Select); coding-DNA position 2164, G replaced by T.
Protein change: p.Gly722Cys; replaces glycine 722 with cysteine.
Molecular consequence: missense variant.
Genome position (GRCh38, 1-based): chr15:84,856,902, G>T. VCF-style: chr15-84856902-G-T. GRCh37 (hg19) VCF-style: chr15-85400133-G-T.
Other names: short protein forms G722C.
Identifiers: ClinVar variation 2819600 (VCV002819600.3), dbSNP rs2505719741, ClinGen allele CA393356179.
Genomic context (GRCh38, chr15:84,856,902, plus strand): 5'-AAGGGGATGCAGGGAGAGAAGGGGACGCAGTCAGAGGGGAGCGCGCCCACAGCCATGGAA[G>T]GTCAGTCTGAGCAAGAGGTGGCAACCAGCCTCGGCCCACCATCCAGAACCCCCAAACTCC-3'
Protein context (NP_065829.4, residues 712-732): SEGSAPTAME[Gly722Cys]QSEQEVATSL

ClinVar aggregate classification (germline): Uncertain significance (1 of 4 stars; one submission).

Submission:

Labcorp Genetics (formerly Invitae), Labcorp
Classification: Uncertain significance. Last evaluated: 2023-03-20. Review status: criteria provided, single submitter. Criteria: Invitae Variant Classification Sherloc (09022015). Collection method: clinical testing. Allele origin: germline.
Comment: In summary, the available evidence is currently insufficient to determine the role of this variant in disease. Therefore, it has been classified as a Variant of Uncertain Significance. Algorithms developed to predict the effect of missense changes on protein structure and function output the following: SIFT: "Not Available"; PolyPhen-2: "Benign"; Align-GVGD: "Not Available". The cysteine amino acid residue is found in multiple mammalian species, which suggests that this missense change does not adversely affect protein function. This variant has not been reported in the literature in individuals affected with ALPK3-related conditions. This variant is not present in population databases (gnomAD no frequency). This sequence change replaces glycine, which is neutral and non-polar, with cysteine, which is neutral and slightly polar, at codon 924 of the ALPK3 protein (p.Gly924Cys).